The following is an entry in ClinVar:

NM_152594.3(SPRED1):c.355dup (p.Ala119fs)

Gene: SPRED1 (sprouty related EVH1 domain containing 1; plus strand). Cytogenetic location: 15q14.
Variant type: Duplication.
Coding change: c.355dup on transcript NM_152594.3 (MANE Select); coding-DNA position 355, one base duplicated (G; older notation c.355dupG).
Protein change: p.Ala119fs; shifts the reading frame from alanine 119.
Molecular consequence: frameshift variant.
Genome position (GRCh38, 1-based): chr15:38,322,388, G duplicated. VCF-style (leftmost placement, unchanged base first): chr15-38322387-A-AG. GRCh37 (hg19) VCF-style: chr15-38614588-A-AG.
Other names: short protein forms A119fs.
Identifiers: ClinVar variation 943158 (VCV000943158.8), dbSNP rs1895621783, ClinGen allele CA1139663831.
Genomic context (GRCh38, chr15:38,322,387, plus strand): 5'-GTTTGGTCTTACGTTTCAAAGTCCTGCTGATGCTAGGGCTTTTGATAGAGGTATCCGAAG[A>AG]GCTATAGAGGATATTTCTCAAGGTAGGTATTCTTGACTATTTTCTTAATTTATTTATCGG-3'

ClinVar aggregate classification (germline): Pathogenic (1 of 4 stars; one submission).

Conditions:
Legius syndrome. Identifiers: Orphanet 137605, MedGen C1969623, MONDO:0012669, OMIM 611431. Disease mechanism: loss of function.

Submission:

Labcorp Genetics (formerly Invitae), Labcorp
Classification: Pathogenic for Legius syndrome. Last evaluated: 2019-06-24. Review status: criteria provided, single submitter. Criteria: Invitae Variant Classification Sherloc (09022015). Collection method: clinical testing. Allele origin: germline.
Comment: For these reasons, this variant has been classified as Pathogenic. Loss-of-function variants in SPRED1 are known to be pathogenic (PMID: 17704776). This variant has not been reported in the literature in individuals with SPRED1-related conditions. This variant is not present in population databases (ExAC no frequency). This sequence change creates a premature translational stop signal (p.Ala119Glyfs*15) in the SPRED1 gene. It is expected to result in an absent or disrupted protein product.

Literature cited by the submitters: PubMed 17704776.